The following is an entry in ClinVar:

NM_177438.3(DICER1):c.3321C>G (p.Phe1107Leu)

Gene: DICER1 (dicer 1, ribonuclease III; minus strand). Cytogenetic location: 14q32.13.
Variant type: single nucleotide variant.
Coding change: c.3321C>G on transcript NM_177438.3 (MANE Select); coding-DNA position 3321, C replaced by G.
Protein change: p.Phe1107Leu; replaces phenylalanine 1107 with leucine.
Molecular consequence: missense variant. On other transcripts: non-coding transcript variant (4).
Genome position (GRCh38, 1-based): chr14:95,104,075, G>C on the plus strand (C>G on the coding strand, the complement: DICER1 is on the minus strand). VCF-style: chr14-95104075-G-C. GRCh37 (hg19) VCF-style: chr14-95570412-G-C.
Other names: c.3321C>G, p.Phe1107Leu (NM_001195573.1, NM_001271282.3, NM_001291628.2 and 13 more transcripts); c.3039C>G, p.Phe1013Leu (NM_001395686.1); c.2916C>G, p.Phe972Leu (NM_001395687.1, NM_001395688.1, NM_001395689.1 and 2 more transcripts); c.2754C>G, p.Phe918Leu (NM_001395691.1); c.1638C>G, p.Phe546Leu (NM_001395697.1); short protein forms F1107L, F546L, F972L, F1013L, F918L.
Identifiers: ClinVar variation 1730204 (VCV001730204.2), dbSNP rs2542721096, ClinGen allele CA390875915.
Genomic context (GRCh38, chr14:95,104,075, plus strand): 5'-AATTGTGCTGTGCTTACAGTAATTATCATTTTCAGCTGAAGAGGAGTTAGAAATTGAGAT[G>C]AAAGATTTGCTGTCAATAGATTTTTTCCACCCGAAGTCTAAGTTAGGGTATCTGCAAAGA-3'
Protein context (NP_803187.1, residues 1097-1117): GWKKSIDSKS[Phe1107Leu]ISISNSSSAE

ClinVar aggregate classification (germline): Uncertain significance (1 of 4 stars; one submission).

Conditions:
Hereditary cancer-predisposing syndrome. Also called: Neoplastic Syndromes, Hereditary; Tumor predisposition; Hereditary Cancer Syndrome; Hereditary neoplastic syndrome. Identifiers: Orphanet 140162, MedGen C0027672, MeSH D009386, MONDO:0015356.

Submission:

Ambry Genetics
Classification: Uncertain significance for Hereditary cancer-predisposing syndrome. Last evaluated: 2022-05-02. Review status: criteria provided, single submitter. Criteria: Ambry Variant Classification Scheme 2023. Collection method: clinical testing. Allele origin: germline.
Comment: The p.F1107L variant (also known as c.3321C>G), located in coding exon 20 of the DICER1 gene, results from a C to G substitution at nucleotide position 3321. The phenylalanine at codon 1107 is replaced by leucine, an amino acid with highly similar properties. This amino acid position is conserved. In addition, the in silico prediction for this alteration is inconclusive. Since supporting evidence is limited at this time, the clinical significance of this alteration remains unclear.